The following is an entry in ClinVar:

NM_000081.4(LYST):c.2009CTT[1] (p.Ser671del)

Gene: LYST (lysosomal trafficking regulator; minus strand). Cytogenetic location: 1q42.3.
Variant type: Microsatellite.
Coding change: c.2009CTT[1] on transcript NM_000081.4 (MANE Select); one copy of the 3-base unit CTT starting at c.2009; the reference has two copies in a row; one copy, 3 bases deleted; also written c.2012_2014del.
Protein change: p.Ser671del; deletes serine 671.
Molecular consequence: inframe deletion.
Genome position (GRCh38, 1-based): chr1:235,808,804-235,808,806, AAG deleted on the plus strand (CTT on the coding strand, the reverse complement: LYST is on the minus strand); deleting any 3 consecutive bases within chr1:235,808,804-235,808,809 gives the same sequence; the position shown is the placement nearest the transcript's 3' end. VCF-style (leftmost placement, unchanged base first): chr1-235808803-TAAG-T. GRCh37 (hg19) VCF-style: chr1-235972103-TAAG-T.
Other names: p.Ser671del; c.2012_2014del (NM_000081.4); c.2009CTT[1], p.Ser671del (NM_001301365.1); short protein forms S671del.
Identifiers: ClinVar variation 296425 (VCV000296425.8), dbSNP rs552601776, ClinGen allele CA1467364.

ClinVar aggregate classification (germline): Uncertain significance. Review status: criteria provided, multiple submitters, no conflicts (2 of 4 stars). 2 submissions from 2 submitters: Uncertain significance (2). Last evaluated 2025-10-14.

Conditions:
Chédiak-Higashi syndrome (CHS). Also called: Chediak-Higashi Syndrome. Identifiers: Orphanet 167, MedGen C0007965, MONDO:0008963, OMIM 214500.

Submissions (2):

Mayo Clinic Laboratories, Mayo Clinic
Classification: Uncertain significance. Last evaluated: 2025-10-14. Review status: criteria provided, single submitter. Criteria: ACMG Guidelines, 2015. Collection method: clinical testing. Allele origin: germline. Observed: 2 variant alleles.
Comment: BS1, PM4

Labcorp Genetics (formerly Invitae), Labcorp
Classification: Uncertain significance for Chédiak-Higashi syndrome. Last evaluated: 2022-10-17. Review status: criteria provided, single submitter. Criteria: Invitae Variant Classification Sherloc (09022015). Collection method: clinical testing. Allele origin: germline.
Comment: This variant, c.2012_2014del, results in the deletion of 1 amino acid(s) of the LYST protein (p.Ser671del), but otherwise preserves the integrity of the reading frame. This variant is present in population databases (rs552601776, gnomAD 0.1%). This variant has not been reported in the literature in individuals affected with LYST-related conditions. ClinVar contains an entry for this variant (Variation ID: 296425). Experimental studies and prediction algorithms are not available or were not evaluated, and the functional significance of this variant is currently unknown. In summary, the available evidence is currently insufficient to determine the role of this variant in disease. Therefore, it has been classified as a Variant of Uncertain Significance.